The following is an entry in ClinVar:

ClinVar aggregate classification (germline): Uncertain significance (1 of 4 stars; one submission).

Conditions:
Autosomal recessive limb-girdle muscular dystrophy type 2J (LGMDR10). Also called: Limb-girdle muscular dystrophy, type 2J; MUSCULAR DYSTROPHY, LIMB-GIRDLE, AUTOSOMAL RECESSIVE 10. Identifiers: Orphanet 140922, MedGen C1837342, MONDO:0012127, OMIM 608807.
Dilated cardiomyopathy 1G (CMD1G). Identifiers: Orphanet 154, MedGen C1858763, MONDO:0011400, OMIM 604145.

gnomAD v4.1: 2 of 1,613,958 alleles (0.00012%); highest among the groups gnomAD compares: South Asian, 0.0022%; no homozygotes.

Submission:

Labcorp Genetics (formerly Invitae), Labcorp
Classification: Uncertain significance for Dilated cardiomyopathy 1G; Autosomal recessive limb-girdle muscular dystrophy type 2J. Last evaluated: 2022-08-10. Review status: criteria provided, single submitter. Criteria: Invitae Variant Classification Sherloc (09022015). Collection method: clinical testing. Allele origin: germline.
Comment: This variant is located in the Z band of TTN (PMID: 25589632). Variants in this region may be clinically relevant, but have not been definitively shown to cause cardiomyopathy or neuromuscular disease (PMID: 27493940, 32778822). In summary, the available evidence is currently insufficient to determine the role of this variant in disease. Therefore, it has been classified as a Variant of Uncertain Significance. Variants that disrupt the consensus splice site are a relatively common cause of aberrant splicing (PMID: 17576681, 9536098). Algorithms developed to predict the effect of sequence changes on RNA splicing suggest that this variant may disrupt the consensus splice site. Experimental studies and prediction algorithms are not available or were not evaluated, and the functional significance of this variant is currently unknown. This variant has not been reported in the literature in individuals affected with TTN-related conditions. This variant is present in population databases (no rsID available, gnomAD 0.003%). This sequence change replaces glycine, which is neutral and non-polar, with cysteine, which is neutral and slightly polar, at codon 1494 of the TTN protein (p.Gly1494Cys). This variant also falls at the last nucleotide of exon 25, which is part of the consensus splice site for this exon.

Literature cited by the submitters: PubMed 25589632; PubMed 27493940; PubMed 32778822; PubMed 17576681; PubMed 9536098.

NM_001267550.2(TTN):c.4480G>T (p.Gly1494Cys)

Genes: TTN (titin; minus strand), LOC101927055 (uncharacterized LOC101927055; plus strand). Cytogenetic location: 2q31.2.
Variant type: single nucleotide variant.
Coding change: c.4480G>T on transcript NM_001267550.2 (MANE Select); coding-DNA position 4480, G replaced by T.
Protein change: p.Gly1494Cys; replaces glycine 1494 with cysteine.
Molecular consequence: missense variant. On other transcripts: non-coding transcript variant (1).
Genome position (GRCh38, 1-based): chr2:178,777,704, C>A on the plus strand (G>T on the coding strand, the complement: TTN is on the minus strand). VCF-style: chr2-178777704-C-A. GRCh37 (hg19) VCF-style: chr2-179642431-C-A.
Other names: c.4480G>T, p.Gly1494Cys (NM_001256850.1, NM_133378.4, NM_133379.5); c.4342G>T, p.Gly1448Cys (NM_003319.4, NM_133432.3, NM_133437.4); short protein forms G1494C, G1448C.
Identifiers: ClinVar variation 2023469 (VCV002023469.4), dbSNP rs774506028, ClinGen allele CA349467922.